The following is an entry in ClinVar:

NM_020937.4(FANCM):c.5717-4T>A

Gene: FANCM (FA complementation group M; plus strand). Cytogenetic location: 14q21.2.
Variant type: single nucleotide variant.
Coding change: c.5717-4T>A on transcript NM_020937.4 (MANE Select); 4 bases into the intron before coding-DNA position 5717, T replaced by A.
Molecular consequence: intron variant.
Genome position (GRCh38, 1-based): chr14:45,198,640, T>A. VCF-style: chr14-45198640-T-A. GRCh37 (hg19) VCF-style: chr14-45667843-T-A.
Other names: c.5639-4T>A (NM_001308133.2); c.5717-4T>A (NM_020937.3).
Identifiers: ClinVar variation 1359258 (VCV001359258.13), dbSNP rs781258517, ClinGen allele CA7170058.

ClinVar aggregate classification (germline): Conflicting classifications of pathogenicity. Review status: criteria provided, conflicting classifications (1 of 4 stars). 3 submissions from 3 submitters: Uncertain significance (1); Likely benign (1). 1 of the submissions does not count toward it. Last evaluated 2025-05-23.

Conditions:
Fanconi anemia (FA). Also called: Fanconi's anemia. Identifiers: Orphanet 84, MedGen C0015625, MeSH D005199, MONDO:0019391.

Allele frequency attached by ClinVar (database versions not stated): gnomAD exomes below 0.00001 and 0.00001; ExAC 0.00001; gnomAD 0.00001.
gnomAD v4.1: 13 of 1,604,472 alleles (0.00081%); highest among the groups gnomAD compares: Non-Finnish European, 0.0011%; no homozygotes.

Submissions (3):

Labcorp Genetics (formerly Invitae), Labcorp
Classification: Likely benign for Fanconi anemia. Last evaluated: 2025-05-23. Review status: criteria provided, single submitter. Criteria: Invitae Variant Classification Sherloc (09022015). Collection method: clinical testing. Allele origin: germline.

GeneDx
Classification: Uncertain significance. Last evaluated: 2025-04-11. Review status: criteria provided, single submitter. Criteria: GeneDx Variant Classification Process June 2021. Collection method: clinical testing. Allele origin: germline. Affected: yes.
Comment: Not observed at significant frequency in large population cohorts (gnomAD); In silico analysis indicates that this variant does not alter splicing; Has not been previously published as pathogenic or benign to our knowledge

Genetic Services Laboratory, University of Chicago
Classification: Likely benign. Last evaluated: 2022-07-18. Review status: no assertion criteria provided. Collection method: clinical testing. Allele origin: germline. Affected: no. Not counted in ClinVar's aggregate classification.